The following is an entry in ClinVar:

NM_002470.4(MYH3):c.4840C>T (p.Arg1614Trp)

Gene: MYH3 (myosin heavy chain 3; minus strand). Cytogenetic location: 17p13.1.
Variant type: single nucleotide variant.
Coding change: c.4840C>T on transcript NM_002470.4 (MANE Select); coding-DNA position 4840, C replaced by T.
Protein change: p.Arg1614Trp; replaces arginine 1614 with tryptophan.
Molecular consequence: missense variant.
Genome position (GRCh38, 1-based): chr17:10,632,592, G>A on the plus strand (C>T on the coding strand, the complement: MYH3 is on the minus strand). VCF-style: chr17-10632592-G-A. GRCh37 (hg19) VCF-style: chr17-10535909-G-A.
Other names: c.4840C>T (NM_002470.3); short protein forms R1614W.
Identifiers: ClinVar variation 1471249 (VCV001471249.10), dbSNP rs141020227, ClinGen allele CA8392106.
Genomic context (GRCh38, chr17:10,632,592, plus strand): 5'-TGGCGTGGCTCAGCTGGATCTCGATTTCATTCAGGTCCCCCTCCATCTTCTTCTTGAGCC[G>A]GATGGCTTCATTCCTGCTCCGCACCTCGGCGTCCAGGGCGCTCTGCATGGTTTCCACTGT-3'
Protein context (NP_002461.2, residues 1604-1624): AEVRSRNEAI[Arg1614Trp]LKKKMEGDLN

ClinVar aggregate classification (germline): Uncertain significance. Review status: criteria provided, multiple submitters, no conflicts (2 of 4 stars). 3 submissions from 3 submitters: Uncertain significance (3). Last evaluated 2025-10-27.

Conditions:
MYH3-related disorder. Also called: MYH3-Related Disorders; MYH3-related condition. Identifiers: MedGen CN239329.
Contractures, pterygia, and variable skeletal fusions syndrome 1B. Also called: CONTRACTURES, PTERYGIA, AND SPONDYLOCARPOTARSAL FUSION SYNDROME 1B. Identifiers: MedGen C5193114, MONDO:0020746, OMIM 618469.
Freeman-Sheldon syndrome (DA2A). Also called: CRANIOCARPOTARSAL DYSPLASIA; CRANIOCARPOTARSAL DYSTROPHY; Arthrogryposis, distal, type 2A (Freeman-Sheldon); WHISTLING FACE-WINDMILL VANE HAND SYNDROME. Identifiers: Orphanet 2053, MedGen C0265224, MONDO:0008675, OMIM 193700.
Contractures, pterygia, and spondylocarpotarsal fusion syndrome 1A (CPSFS1A). Also called: Distal arthrogryposis type 8; MULTIPLE PTERYGIUM SYNDROME, AUTOSOMAL DOMINANT; Contractures, pterygia, and variable skeletal fusions syndrome 1A. Identifiers: Orphanet 65743, MedGen C1867440, MONDO:0008338, OMIM 178110.
Arthrogryposis, distal, type 2B3. Also called: Arthrogryposis, distal, type 2B3 (Sheldon-Hall). Identifiers: MedGen C5193098, MONDO:0032751, OMIM 618436.

Allele frequency attached by ClinVar (database versions not stated): ExAC 0.00006; gnomAD exomes 0.00006 and 0.00012; TOPMed 0.00007; ESP Exome Variant Server 0.00008; gnomAD 0.00013 and 0.00014.
gnomAD v4.1: 198 of 1,614,004 alleles (0.012%); highest among the groups gnomAD compares: Non-Finnish European, 0.015%; no homozygotes.

Submissions (3):

Labcorp Genetics (formerly Invitae), Labcorp
Classification: Uncertain significance. Last evaluated: 2025-10-27. Review status: criteria provided, single submitter. Criteria: Invitae Variant Classification Sherloc (09022015). Collection method: clinical testing. Allele origin: germline.
Comment: This sequence change replaces arginine, which is basic and polar, with tryptophan, which is neutral and slightly polar, at codon 1614 of the MYH3 protein (p.Arg1614Trp). This variant is present in population databases (rs141020227, gnomAD 0.02%). This variant has not been reported in the literature in individuals affected with MYH3-related conditions. ClinVar contains an entry for this variant (Variation ID: 1471249). Invitae Evidence Modeling of protein sequence and biophysical properties (such as structural, functional, and spatial information, amino acid conservation, physicochemical variation, residue mobility, and thermodynamic stability) indicates that this missense variant is not expected to disrupt MYH3 protein function with a negative predictive value of 95%. In summary, the available evidence is currently insufficient to determine the role of this variant in disease. Therefore, it has been classified as a Variant of Uncertain Significance.

PreventionGenetics, part of Exact Sciences
Classification: Uncertain significance for MYH3-related condition. Last evaluated: 2023-08-07. Review status: criteria provided, single submitter. Criteria: ACMG Guidelines, 2015. Collection method: clinical testing. Allele origin: germline.
Comment: The MYH3 c.4840C>T variant is predicted to result in the amino acid substitution p.Arg1614Trp. To our knowledge, this variant has not been reported in the literature. This variant is reported in 0.016% of alleles in individuals of European (Non-Finnish) descent in gnomAD. At this time, the clinical significance of this variant is uncertain due to the absence of conclusive functional and genetic evidence.

Department of Pathology and Laboratory Medicine, Sinai Health System
Classification: Uncertain significance for Contractures, pterygia, and spondylocarpotarsal fusion syndrome 1A; Freeman-Sheldon syndrome; Arthrogryposis, distal, type 2B3; Contractures, pterygia, and variable skeletal fusions syndrome 1B. Last evaluated: 2023-03-01. Review status: criteria provided, single submitter. Criteria: ACMG Guidelines, 2015. Collection method: research. Allele origin: germline.